The following is an entry in ClinVar:

ClinVar aggregate classification (germline): Uncertain significance (1 of 4 stars; one submission).

Allele frequency attached by ClinVar (database versions not stated): gnomAD exomes 0.00001.
gnomAD v4.1: 4 of 1,613,894 alleles (0.00025%); highest among the groups gnomAD compares: Admixed American, 0.0067%; no homozygotes.

Submission:

Labcorp Genetics (formerly Invitae), Labcorp
Classification: Uncertain significance. Last evaluated: 2022-07-05. Review status: criteria provided, single submitter. Criteria: Invitae Variant Classification Sherloc (09022015). Collection method: clinical testing. Allele origin: germline.
Comment: In summary, the available evidence is currently insufficient to determine the role of this variant in disease. Therefore, it has been classified as a Variant of Uncertain Significance. Algorithms developed to predict the effect of missense changes on protein structure and function are either unavailable or do not agree on the potential impact of this missense change (SIFT: "Deleterious"; PolyPhen-2: "Benign"; Align-GVGD: "Class C0"). ClinVar contains an entry for this variant (Variation ID: 1448259). This variant has not been reported in the literature in individuals affected with RIMS1-related conditions. This variant is present in population databases (rs755535927, gnomAD 0.009%). This sequence change replaces serine, which is neutral and polar, with arginine, which is basic and polar, at codon 316 of the RIMS1 protein (p.Ser316Arg).

NM_014989.7(RIMS1):c.948C>G (p.Ser316Arg)

Gene: RIMS1 (regulating synaptic membrane exocytosis 1; plus strand). Cytogenetic location: 6q13.
Variant type: single nucleotide variant.
Coding change: c.948C>G on transcript NM_014989.7 (MANE Select); coding-DNA position 948, C replaced by G.
Protein change: p.Ser316Arg; replaces serine 316 with arginine.
Molecular consequence: missense variant.
Genome position (GRCh38, 1-based): chr6:72,182,419, C>G. VCF-style: chr6-72182419-C-G. GRCh37 (hg19) VCF-style: chr6-72892122-C-G.
Other names: short protein forms S316R.
Identifiers: ClinVar variation 1448259 (VCV001448259.6), dbSNP rs755535927, ClinGen allele CA3885626.
Genomic context (GRCh38, chr6:72,182,419, plus strand): 5'-CTCAGCGCAGCCCGTGGAGGGGGCCGTCGAAGAACGGGAGCGCAAAGAAAGGCGGGAAAG[C>G]CGAAGGCTTGAGAAAGGGCGATCACAGGATTACCCAGACACGCCGGAAAAACGGGATGAG-3'
Protein context (NP_055804.2, residues 306-326): EERERKERRE[Ser316Arg]RRLEKGRSQD